The following is an entry in ClinVar:

ClinVar aggregate classification (germline): Pathogenic (1 of 4 stars; one submission).

Conditions:
Hereditary antithrombin deficiency (AT3D). Also called: Antithrombin III deficiency; Thrombophilia due to antithrombin III deficiency; Reduced antithrombin III activity; Antithrombin deficiency. Identifiers: Orphanet 82, MedGen C0272375, MONDO:0013144, OMIM 613118, HP:0001976.

Submission:

Labcorp Genetics (formerly Invitae), Labcorp
Classification: Pathogenic for Hereditary antithrombin deficiency. Last evaluated: 2022-10-21. Review status: criteria provided, single submitter. Criteria: Invitae Variant Classification Sherloc (09022015). Collection method: clinical testing. Allele origin: germline.
Comment: For these reasons, this variant has been classified as Pathogenic. This premature translational stop signal has been observed in individual(s) with SERPINC1-related conditions (PMID: 21264449). This variant is not present in population databases (gnomAD no frequency). This sequence change creates a premature translational stop signal (p.Trp81*) in the SERPINC1 gene. It is expected to result in an absent or disrupted protein product. Loss-of-function variants in SERPINC1 are known to be pathogenic (PMID: 21264449).

Literature cited by the submitters: PubMed 21264449.

NM_000488.4(SERPINC1):c.243G>A (p.Trp81Ter)

Gene: SERPINC1 (serpin family C member 1; minus strand). Cytogenetic location: 1q25.1.
Variant type: single nucleotide variant.
Coding change: c.243G>A on transcript NM_000488.4 (MANE Select); coding-DNA position 243, G replaced by A.
Protein change: p.Trp81Ter; replaces tryptophan 81 with a stop codon.
Molecular consequence: nonsense.
Genome position (GRCh38, 1-based): chr1:173,914,718, C>T on the plus strand (G>A on the coding strand, the complement: SERPINC1 is on the minus strand). VCF-style: chr1-173914718-C-T. GRCh37 (hg19) VCF-style: chr1-173883856-C-T.
Other names: c.99G>A, p.Trp33Ter (NM_001365052.2); c.243G>A, p.Trp81Ter (NM_001386302.1, NM_001386304.1, NM_001386305.1 and 1 more transcripts); c.324G>A, p.Trp108Ter (NM_001386303.1); short protein forms W33*, W108*, W81*.
Identifiers: ClinVar variation 1897245 (VCV001897245.5), dbSNP rs2526595268, ClinGen allele CA343777815.